The following is an entry in ClinVar:

NM_000257.4(MYH7):c.345+6T>G

Gene: MYH7 (myosin heavy chain 7; minus strand). Cytogenetic location: 14q11.2.
Variant type: single nucleotide variant.
Coding change: c.345+6T>G on transcript NM_000257.4 (MANE Select); 6 bases into the intron after coding-DNA position 345, T replaced by G.
Molecular consequence: intron variant.
Genome position (GRCh38, 1-based): chr14:23,433,078, A>C on the plus strand (T>G on the coding strand, the complement: MYH7 is on the minus strand). VCF-style: chr14-23433078-A-C. GRCh37 (hg19) VCF-style: chr14-23902287-A-C.
Other names: c.345+6T>G (NM_001407004.1).
Identifiers: ClinVar variation 4722328 (VCV004722328.1).

ClinVar aggregate classification (germline): Uncertain significance. Review status: criteria provided, multiple submitters, no conflicts (2 of 4 stars). 2 submissions from 2 submitters: Uncertain significance (2). Last evaluated 2025-11-01.

Conditions:
Cardiomyopathy (CMYO). Also called: Cardiomyopathies. Identifiers: Orphanet 167848, MedGen C0878544, MONDO:0004994, HP:0001638. Inheritance: Various modes of inheritance.
Hypertrophic cardiomyopathy. Also called: HYPERTROPHIC MYOCARDIOPATHY. Identifiers: Orphanet 217569, MedGen C0007194, MeSH D002312, MONDO:0005045, HP:0001639.

Submissions (2):

Labcorp Genetics (formerly Invitae), Labcorp
Classification: Uncertain significance for Hypertrophic cardiomyopathy. Last evaluated: 2025-11-01. Review status: criteria provided, single submitter. Criteria: Invitae Variant Classification Sherloc (09022015). Collection method: clinical testing. Allele origin: germline.
Comment: This sequence change falls in intron 4 of the MYH7 gene. It does not directly change the encoded amino acid sequence of the MYH7 protein. It affects a nucleotide within the consensus splice site. This variant is present in population databases (rs560943022, gnomAD 0.007%). This variant has not been reported in the literature in individuals affected with MYH7-related conditions. Variants that disrupt the consensus splice site are a relatively common cause of aberrant splicing (PMID: 17576681, 9536098). Algorithms developed to predict the effect of sequence changes on RNA splicing suggest that this variant may disrupt the consensus splice site. In summary, the available evidence is currently insufficient to determine the role of this variant in disease. Therefore, it has been classified as a Variant of Uncertain Significance.

Color Diagnostics, LLC DBA Color Health
Classification: Uncertain significance for Cardiomyopathy. Last evaluated: 2025-04-20. Review status: criteria provided, single submitter. Criteria: ACMG Guidelines, 2015. Collection method: clinical testing. Allele origin: germline.
Comment: This variant causes a T to G nucleotide substitution at the +6 position of intron 4/39 of the MYH7 gene. To our knowledge, functional studies have not been reported for this variant. This variant has not been reported in individuals affected with MYH7-related disorders in the literature. This variant has been identified in 1/251224 chromosomes in the general population by the Genome Aggregation Database (gnomAD). The available evidence is insufficient to determine the role of this variant in disease conclusively. Therefore, this variant is classified as a Variant of Uncertain Significance.

Literature cited by the submitters: PubMed 17576681 (cited by Labcorp Genetics (formerly Invitae), Labcorp); PubMed 9536098 (cited by Labcorp Genetics (formerly Invitae), Labcorp).